The following is an entry in ClinVar:

NM_000051.4(ATM):c.4861C>G (p.Leu1621Val)

Gene: ATM (ATM serine/threonine kinase; plus strand). Cytogenetic location: 11q22.3.
Variant type: single nucleotide variant.
Coding change: c.4861C>G on transcript NM_000051.4 (MANE Select); coding-DNA position 4861, C replaced by G.
Protein change: p.Leu1621Val; replaces leucine 1621 with valine.
Molecular consequence: missense variant.
Genome position (GRCh38, 1-based): chr11:108,295,011, C>G. VCF-style: chr11-108295011-C-G. GRCh37 (hg19) VCF-style: chr11-108165738-C-G.
Other names: c.4861C>G, p.Leu1621Val (NM_001351834.2); short protein forms L1621V.
Identifiers: ClinVar variation 2003755 (VCV002003755.5), dbSNP rs759289039, ClinGen allele CA228380796.

ClinVar aggregate classification (germline): Uncertain significance. Review status: criteria provided, multiple submitters, no conflicts (2 of 4 stars). 2 submissions from 2 submitters: Uncertain significance (2). Last evaluated 2025-02-19.

Conditions:
Hereditary cancer-predisposing syndrome. Also called: Hereditary Cancer Syndrome; Tumor predisposition; Hereditary neoplastic syndrome; Neoplastic Syndromes, Hereditary. Identifiers: Orphanet 140162, MedGen C0027672, MeSH D009386, MONDO:0015356.
Ataxia-telangiectasia syndrome (AT). Also called: Ataxia-telangiectasia, complementation group E; Ataxia-telangiectasia; ATAXIA-TELANGIECTASIA, COMPLEMENTATION GROUP A; Ataxia-telangiectasia, complementation group D; Ataxia telangiectasia (A-T); LOUIS-BAR SYNDROME. Identifiers: Orphanet 100, MedGen C0004135, MONDO:0008840, OMIM 208900.

Allele frequency attached by ClinVar (database versions not stated): TOPMed below 0.00001; gnomAD 0.00001.
gnomAD v4.1: 1 of 1,613,876 alleles (0.000062%); highest among the groups gnomAD compares: Non-Finnish European, 0.000085%; no homozygotes.

Submissions (2):

Ambry Genetics
Classification: Uncertain significance for Hereditary cancer-predisposing syndrome. Last evaluated: 2025-02-19. Review status: criteria provided, single submitter. Criteria: Ambry Variant Classification Scheme 2023. Collection method: clinical testing. Allele origin: germline.
Comment: The p.L1621V variant (also known as c.4861C>G), located in coding exon 31 of the ATM gene, results from a C to G substitution at nucleotide position 4861. The leucine at codon 1621 is replaced by valine, an amino acid with highly similar properties. This amino acid position is conserved. In addition, the in silico prediction for this alteration is inconclusive. Based on the available evidence, the clinical significance of this variant remains unclear.

Labcorp Genetics (formerly Invitae), Labcorp
Classification: Uncertain significance for Ataxia-telangiectasia syndrome. Last evaluated: 2024-05-31. Review status: criteria provided, single submitter. Criteria: Invitae Variant Classification Sherloc (09022015). Collection method: clinical testing. Allele origin: germline.
Comment: This sequence change replaces leucine, which is neutral and non-polar, with valine, which is neutral and non-polar, at codon 1621 of the ATM protein (p.Leu1621Val). This variant is not present in population databases (gnomAD no frequency). This variant has not been reported in the literature in individuals affected with ATM-related conditions. ClinVar contains an entry for this variant (Variation ID: 2003755). An algorithm developed to predict the effect of missense changes on protein structure and function (PolyPhen-2) suggests that this variant is likely to be disruptive. In summary, the available evidence is currently insufficient to determine the role of this variant in disease. Therefore, it has been classified as a Variant of Uncertain Significance.